The following is an entry in ClinVar:

NM_001987.5(ETV6):c.1153-1_1153del

Gene: ETV6 (ETS variant transcription factor 6; plus strand). Cytogenetic location: 12p13.2.
Variant type: Deletion.
Coding change: c.1153-1_1153del on transcript NM_001987.5 (MANE Select); the canonical splice acceptor site of the intron before coding-DNA position 1153 through coding-DNA position 1153, 2 bases deleted (GA; older notation c.1153-1_1153delGA).
Molecular consequence: splice acceptor variant.
Genome position (GRCh38, 1-based): chr12:11,885,925-11,885,926, GA deleted; deleting any 2 consecutive bases within chr12:11,885,924-11,885,926 gives the same sequence; the c. name uses the placement nearest the transcript's 3' end. VCF-style (leftmost placement, unchanged base first): chr12-11885923-CAG-C. GRCh37 (hg19) VCF-style: chr12-12038857-CAG-C.
Identifiers: ClinVar variation 2035436 (VCV002035436.5), dbSNP rs2498186627, ClinGen allele CA2580085156.
Genomic context (GRCh38, chr12:11,885,923, plus strand): 5'-TTCTGAGGTTCATTTCATTGTGTCTTTGTGCTTTTTTTCTCCCTTCCTCCTTTGAACAAA[CAG>C]AACAGAACAAACATGACCTATGAGAAAATGTCCAGAGCCCTGCGCCACTACTACAAACTA-3'

ClinVar aggregate classification (germline): Likely pathogenic. Review status: criteria provided, multiple submitters, no conflicts (2 of 4 stars). 2 submissions from 2 submitters: Likely pathogenic (2). Last evaluated 2024-04-17.

Conditions:
ETV6-related disorders.

Submissions (2):

Labcorp Genetics (formerly Invitae), Labcorp
Classification: Likely pathogenic. Last evaluated: 2024-04-17. Review status: criteria provided, single submitter. Criteria: Invitae Variant Classification Sherloc (09022015). Collection method: clinical testing. Allele origin: germline.
Comment: This sequence change affects a splice site in intron 6 of the ETV6 gene. It is expected to result in an absent or disrupted protein product. Loss-of-function variants in ETV6 are known to be pathogenic (PMID: 26102509, 27365488, 29034503) This variant is not present in population databases (gnomAD no frequency). This variant has not been reported in the literature in individuals affected with ETV6-related conditions. ClinVar contains an entry for this variant (Variation ID: 2035436). Algorithms developed to predict the effect of sequence changes on RNA splicing suggest that this variant may disrupt the consensus splice site. In summary, the currently available evidence indicates that the variant is pathogenic, but additional data are needed to prove that conclusively. Therefore, this variant has been classified as Likely Pathogenic.

Blueprint Genetics
Classification: Likely pathogenic for ETV6-related disorders. Last evaluated: 2022-07-05. Review status: criteria provided, single submitter. Criteria: ACMG Guidelines, 2015. Collection method: clinical testing. Allele origin: germline. Affected: yes. Observed: 1 variant allele.

Literature cited by the submitters: PubMed 26102509 (cited by Labcorp Genetics (formerly Invitae), Labcorp); PubMed 27365488 (cited by Labcorp Genetics (formerly Invitae), Labcorp); PubMed 29034503 (cited by Labcorp Genetics (formerly Invitae), Labcorp).